The following is an entry in ClinVar:

NM_024678.6(NARS2):c.893_894del (p.Cys298fs)

Gene: NARS2 (asparaginyl-tRNA synthetase 2, mitochondrial; minus strand). Cytogenetic location: 11q14.1.
Variant type: Deletion.
Coding change: c.893_894del on transcript NM_024678.6 (MANE Select); coding-DNA positions 893 to 894, 2 bases deleted (GT; older notation c.893_894delGT).
Protein change: p.Cys298fs; shifts the reading frame from cysteine 298.
Molecular consequence: frameshift variant. On other transcripts: non-coding transcript variant (4), intron variant (1).
Genome position (GRCh38, 1-based): chr11:78,478,612-78,478,613, AC deleted on the plus strand (GT on the coding strand, the reverse complement: NARS2 is on the minus strand); deleting any 2 consecutive bases within chr11:78,478,612-78,478,614 gives the same sequence; the c. name uses the placement nearest the transcript's 3' end. VCF-style (leftmost placement, unchanged base first): chr11-78478611-GAC-G. GRCh37 (hg19) VCF-style: chr11-78189657-GAC-G.
Other names: c.212_213del, p.Cys71fs (NM_001243251.2, NM_001425310.1, NM_001425312.1 and 2 more transcripts); c.893_894del, p.Cys298fs (NM_001425299.1, NM_001425300.1, NM_001425301.1 and 3 more transcripts); c.812_813del, p.Cys271fs (NM_001425302.1, NM_001425303.1); c.665_666del, p.Cys222fs (NM_001425307.1); c.662_663del, p.Cys221fs (NM_001425308.1); c.242_243del, p.Cys81fs (NM_001425311.1); c.690-9300_690-9299del (NM_001425309.1); short protein forms C71fs, C221fs, C298fs, C81fs, C222fs, C271fs.
Identifiers: ClinVar variation 4718832 (VCV004718832.1).

ClinVar aggregate classification (germline): Pathogenic (1 of 4 stars; one submission).

Submission:

Labcorp Genetics (formerly Invitae), Labcorp
Classification: Pathogenic. Last evaluated: 2025-05-18. Review status: criteria provided, single submitter. Criteria: Invitae Variant Classification Sherloc (09022015). Collection method: clinical testing. Allele origin: germline.
Comment: This sequence change creates a premature translational stop signal (p.Cys298Serfs*27) in the NARS2 gene. It is expected to result in an absent or disrupted protein product. Loss-of-function variants in NARS2 are known to be pathogenic (PMID: 25807530, 26402642). This variant is not present in population databases (gnomAD no frequency). This variant has not been reported in the literature in individuals affected with NARS2-related conditions. For these reasons, this variant has been classified as Pathogenic.

Literature cited by the submitters: PubMed 25807530; PubMed 26402642.